The following is an entry in ClinVar:

NM_000169.3(GLA):c.386_389dup (p.Lys130fs)

Genes: GLA (galactosidase alpha; minus strand), RPL36A-HNRNPH2 (RPL36A-HNRNPH2 readthrough; plus strand). Cytogenetic location: Xq22.1.
Variant type: Duplication.
Coding change: c.386_389dup on transcript NM_000169.3 (MANE Select); coding-DNA positions 386 to 389, 4 bases duplicated (TGAA; older notation c.386_389dupTGAA).
Protein change: p.Lys130fs; shifts the reading frame from lysine 130.
Molecular consequence: frameshift variant. On other transcripts: non-coding transcript variant (3), intron variant (2).
Genome position (GRCh38, 1-based): chrX:101,401,790-101,401,793, TTCA duplicated on the plus strand (TGAA on the coding strand, the reverse complement: GLA is on the minus strand). VCF-style (leftmost placement, unchanged base first): chrX-101401789-C-CTTCA. GRCh37 (hg19) VCF-style: chrX-100656777-C-CTTCA.
Other names: c.509_512dup, p.Lys171fs (NM_001406747.1, NM_001406749.1); c.386_389dup, p.Lys130fs (NM_001406748.1); c.300+6333_300+6336dup (NM_001199973.2); c.177+9968_177+9971dup (NM_001199974.2); short protein forms K130fs, K171fs.
Identifiers: ClinVar variation 4086952 (VCV004086952.2).

ClinVar aggregate classification (germline): Pathogenic (1 of 4 stars; one submission).

Conditions:
Fabry disease. Also called: ALPHA-GALACTOSIDASE A DEFICIENCY; ANDERSON-FABRY DISEASE; CERAMIDE TRIHEXOSIDASE DEFICIENCY; GLA DEFICIENCY; HEREDITARY DYSTOPIC LIPIDOSIS; Angiokeratoma corporis diffusum. Identifiers: Orphanet 324, MedGen C0002986, MONDO:0010526, OMIM 301500, HP:0001071. Disease mechanism: Fabry disease is due to inactivating mutations in the X-linked GLA gene resulting in deficiency of the enzyme Alpha Galactosidase-A., loss of function.

Submission:

Genomenon, Inc
Classification: Pathogenic for Fabry disease. Last evaluated: 2026-09-08. Review status: criteria provided, single submitter. Criteria: Genomenon Sequence Variant Interpretation Standards - Updated. Collection method: curation. Allele origin: germline. Affected: yes.
Comment: GLA p.Lys130AsnfsTer11 (c.386_389dup) is a frameshift variant that is predicted to introduce a premature termination codon and result in a truncated or absent protein product. This variant has been observed in at least one proband with clinical features consistent with Fabry disease (PMID:32843101). The variant was found to segregate with disease in at least one affected family (PMID:32843101). It is absent or not present at a significant frequency in gnomAD. In conclusion, we classify GLA p.Lys130AsnfsTer11 (c.386_389dup) as a pathogenic variant.

Literature cited by the submitters: PubMed 32843101.